The following is an entry in ClinVar:

ClinVar aggregate classification (germline): Uncertain significance (1 of 4 stars; one submission).

Conditions:
Immunodeficiency due to CD25 deficiency. Also called: CD25 DEFICIENCY; IMMUNODEFICIENCY 41 WITH LYMPHOPROLIFERATION AND AUTOIMMUNITY; IL2RA DEFICIENCY. Identifiers: Orphanet 169100, MedGen C1853392, MONDO:0011664, OMIM 606367.

Submission:

Labcorp Genetics (formerly Invitae), Labcorp
Classification: Uncertain significance for Immunodeficiency due to CD25 deficiency. Last evaluated: 2025-02-09. Review status: criteria provided, single submitter. Criteria: Invitae Variant Classification Sherloc (09022015). Collection method: clinical testing. Allele origin: germline.
Comment: This sequence change falls in intron 5 of the IL2RA gene. It does not directly change the encoded amino acid sequence of the IL2RA protein. It affects a nucleotide within the consensus splice site. This variant is not present in population databases (gnomAD no frequency). This variant has not been reported in the literature in individuals affected with IL2RA-related conditions. Variants that disrupt the consensus splice site are a relatively common cause of aberrant splicing (PMID: 17576681, 9536098). Algorithms developed to predict the effect of sequence changes on RNA splicing suggest that this variant is not likely to affect RNA splicing. In summary, the available evidence is currently insufficient to determine the role of this variant in disease. Therefore, it has been classified as a Variant of Uncertain Significance.

Literature cited by the submitters: PubMed 17576681; PubMed 9536098.

NM_000417.3(IL2RA):c.655+4C>A

Gene: IL2RA (interleukin 2 receptor subunit alpha; minus strand). Cytogenetic location: 10p15.1.
Variant type: single nucleotide variant.
Coding change: c.655+4C>A on transcript NM_000417.3 (MANE Select); 4 bases into the intron after coding-DNA position 655, C replaced by A.
Molecular consequence: intron variant.
Genome position (GRCh38, 1-based): chr10:6,019,866, G>T on the plus strand (C>A on the coding strand, the complement: IL2RA is on the minus strand). VCF-style: chr10-6019866-G-T. GRCh37 (hg19) VCF-style: chr10-6061829-G-T.
Other names: c.368-367C>A (NM_001308243.2); c.439+4C>A (NM_001308242.2).
Identifiers: ClinVar variation 4691328 (VCV004691328.1).
Genomic context (GRCh38, chr10:6,019,866, plus strand): 5'-CTCCTGGTCACCTCTGCCCTTTTGGACTAGGCCTCTGTGGTCCAGCGTTTGTCTTCTCCC[G>T]CACCTGTTGTTGTGACGAGGCAGGAAGTCTCACTCTCAGGACGGCCTTCGGGGCTTGCCT-3'